The following is an entry in ClinVar:

ClinVar aggregate classification (germline): Uncertain significance (1 of 4 stars; one submission).

Conditions:
Adams-Oliver syndrome 5 (AOS5). Identifiers: Orphanet 974, MedGen C4014970, MONDO:0014459, OMIM 616028.

Submission:

Labcorp Genetics (formerly Invitae), Labcorp
Classification: Uncertain significance for Adams-Oliver syndrome 5. Last evaluated: 2024-01-29. Review status: criteria provided, single submitter. Criteria: Invitae Variant Classification Sherloc (09022015). Collection method: clinical testing. Allele origin: germline.
Comment: This sequence change replaces asparagine, which is neutral and polar, with lysine, which is basic and polar, at codon 1179 of the NOTCH1 protein (p.Asn1179Lys). This variant is not present in population databases (gnomAD no frequency). This variant has not been reported in the literature in individuals affected with NOTCH1-related conditions. Advanced modeling of protein sequence and biophysical properties (such as structural, functional, and spatial information, amino acid conservation, physicochemical variation, residue mobility, and thermodynamic stability) performed at Invitae indicates that this missense variant is not expected to disrupt NOTCH1 protein function with a negative predictive value of 80%. In summary, the available evidence is currently insufficient to determine the role of this variant in disease. Therefore, it has been classified as a Variant of Uncertain Significance.

NM_017617.5(NOTCH1):c.3537C>G (p.Asn1179Lys)

Gene: NOTCH1 (notch receptor 1; minus strand). Cytogenetic location: 9q34.3.
Variant type: single nucleotide variant.
Coding change: c.3537C>G on transcript NM_017617.5 (MANE Select); coding-DNA position 3537, C replaced by G.
Protein change: p.Asn1179Lys; replaces asparagine 1179 with lysine.
Molecular consequence: missense variant.
Genome position (GRCh38, 1-based): chr9:136,507,411, G>C on the plus strand (C>G on the coding strand, the complement: NOTCH1 is on the minus strand). VCF-style: chr9-136507411-G-C. GRCh37 (hg19) VCF-style: chr9-139401863-G-C.
Other names: short protein forms N1179K.
Identifiers: ClinVar variation 2714099 (VCV002714099.3), dbSNP rs1589060346, ClinGen allele CA375550072.